The following is an entry in ClinVar:

ClinVar aggregate classification (germline): Uncertain significance (1 of 4 stars; one submission).

Submission:

Labcorp Genetics (formerly Invitae), Labcorp
Classification: Uncertain significance. Last evaluated: 2021-12-03. Review status: criteria provided, single submitter. Criteria: Invitae Variant Classification Sherloc (09022015). Collection method: clinical testing. Allele origin: germline.
Comment: This sequence change replaces valine, which is neutral and non-polar, with isoleucine, which is neutral and non-polar, at codon 24 of the SLC25A42 protein (p.Val24Ile). This variant is present in population databases (rs745768284, gnomAD 0.02%). This variant has not been reported in the literature in individuals affected with SLC25A42-related conditions. Algorithms developed to predict the effect of missense changes on protein structure and function output the following: SIFT: "Tolerated"; PolyPhen-2: "Benign"; Align-GVGD: "Class C0". The isoleucine amino acid residue is found in multiple mammalian species, which suggests that this missense change does not adversely affect protein function. In summary, the available evidence is currently insufficient to determine the role of this variant in disease. Therefore, it has been classified as a Variant of Uncertain Significance.

NM_178526.5(SLC25A42):c.70G>A (p.Val24Ile)

Gene: SLC25A42 (solute carrier family 25 member 42; plus strand). Cytogenetic location: 19p13.11.
Variant type: single nucleotide variant.
Coding change: c.70G>A on transcript NM_178526.5 (MANE Select); coding-DNA position 70, G replaced by A.
Protein change: p.Val24Ile; replaces valine 24 with isoleucine.
Molecular consequence: missense variant.
Genome position (GRCh38, 1-based): chr19:19,096,194, G>A. VCF-style: chr19-19096194-G-A. GRCh37 (hg19) VCF-style: chr19-19207003-G-A.
Other names: c.70G>A, p.Val24Ile (NM_001321544.2); short protein forms V24I.
Identifiers: ClinVar variation 1478242 (VCV001478242.7), dbSNP rs745768284, ClinGen allele CA9321327.
Genomic context (GRCh38, chr19:19,096,194, plus strand): 5'-GGTGTGAAGGAAGGCCCGGTGCGATTGCATGAGGATGCTGAGGCTGTCCTGTCCTCGTCC[G>A]TCTCATCAAAGGCAAGTACCCCGGCCTCCTGGGATGGGTGTTCTCCTGGGGCCCCAGCCT-3'
Protein context (NP_848621.2, residues 14-34): EDAEAVLSSS[Val24Ile]SSKRDHRQVL